The following is an entry in ClinVar:

NM_025215.6(PUS1):c.210G>C (p.Lys70Asn)

Gene: PUS1 (pseudouridine synthase 1; plus strand). Cytogenetic location: 12q24.33.
Variant type: single nucleotide variant.
Coding change: c.210G>C on transcript NM_025215.6 (MANE Select); coding-DNA position 210, G replaced by C.
Protein change: p.Lys70Asn; replaces lysine 70 with asparagine.
Molecular consequence: missense variant.
Genome position (GRCh38, 1-based): chr12:131,930,042, G>C. VCF-style: chr12-131930042-G-C. GRCh37 (hg19) VCF-style: chr12-132414587-G-C.
Other names: c.126G>C, p.Lys42Asn (NM_001002019.3, NM_001002020.3); short protein forms K42N, K70N.
Identifiers: ClinVar variation 2415931 (VCV002415931.3), dbSNP rs751427304, ClinGen allele CA6884026.

ClinVar aggregate classification (germline): Uncertain significance (1 of 4 stars; one submission).

Allele frequency attached by ClinVar (database versions not stated): ExAC 0.00001; TOPMed 0.00001.
gnomAD v4.1: 11 of 1,453,660 alleles (0.00076%); highest among the groups gnomAD compares: Non-Finnish European, 0.001%; no homozygotes.

Submission:

Labcorp Genetics (formerly Invitae), Labcorp
Classification: Uncertain significance. Last evaluated: 2022-02-01. Review status: criteria provided, single submitter. Criteria: Invitae Variant Classification Sherloc (09022015). Collection method: clinical testing. Allele origin: germline.
Comment: This sequence change replaces lysine, which is basic and polar, with asparagine, which is neutral and polar, at codon 70 of the PUS1 protein (p.Lys70Asn). This variant is present in population databases (rs751427304, gnomAD 0.001%). This variant has not been reported in the literature in individuals affected with PUS1-related conditions. Algorithms developed to predict the effect of missense changes on protein structure and function are either unavailable or do not agree on the potential impact of this missense change (SIFT: "Tolerated"; PolyPhen-2: "Possibly Damaging"; Align-GVGD: "Class C0"). In summary, the available evidence is currently insufficient to determine the role of this variant in disease. Therefore, it has been classified as a Variant of Uncertain Significance.